The following is an entry in ClinVar:

ClinVar aggregate classification (germline): Uncertain significance (1 of 4 stars; one submission).

Submission:

GeneDx
Classification: Uncertain significance. Last evaluated: 2023-05-08. Review status: criteria provided, single submitter. Criteria: GeneDx Variant Classification Process June 2021. Collection method: clinical testing. Allele origin: germline. Affected: yes.
Comment: Not observed at significant frequency in large population cohorts (gnomAD); In silico analysis supports that this missense variant does not alter protein structure/function; Has not been previously published as pathogenic or benign to our knowledge

NM_001042424.3(NSD2):c.2104G>A (p.Glu702Lys)

Gene: NSD2 (nuclear receptor binding SET domain protein 2; plus strand). Cytogenetic location: 4p16.3.
Variant type: single nucleotide variant.
Coding change: c.2104G>A on transcript NM_001042424.3 (MANE Select); coding-DNA position 2104, G replaced by A.
Protein change: p.Glu702Lys; replaces glutamic acid 702 with lysine.
Molecular consequence: missense variant.
Genome position (GRCh38, 1-based): chr4:1,952,198, G>A. VCF-style: chr4-1952198-G-A. GRCh37 (hg19) VCF-style: chr4-1953925-G-A.
Other names: c.2104G>A, p.Glu702Lys (NM_133330.3, NM_133331.3, NM_133335.4); short protein forms E702K.
Identifiers: ClinVar variation 2663120 (VCV002663120.1), dbSNP rs2474611626, ClinGen allele CA355982944.